The following is an entry in ClinVar:

NM_000493.4(COL10A1):c.1532G>T (p.Gly511Val)

Genes: COL10A1 (collagen type X alpha 1 chain; minus strand), NT5DC1 (5'-nucleotidase domain containing 1; plus strand). Cytogenetic location: 6q22.1.
Variant type: single nucleotide variant.
Coding change: c.1532G>T on transcript NM_000493.4 (MANE Select); coding-DNA position 1532, G replaced by T.
Protein change: p.Gly511Val; replaces glycine 511 with valine.
Molecular consequence: missense variant. On other transcripts: intron variant (1).
Genome position (GRCh38, 1-based): chr6:116,120,584, C>A on the plus strand (G>T on the coding strand, the complement: COL10A1 is on the minus strand). VCF-style: chr6-116120584-C-A. GRCh37 (hg19) VCF-style: chr6-116441747-C-A.
Other names: c.1532G>T, p.Gly511Val (NM_001424106.1, NM_001424107.1); c.529+2639C>A (NM_152729.3); short protein forms G511V.
Identifiers: ClinVar variation 5019503 (VCV005019503.2).

ClinVar aggregate classification (germline): Uncertain significance (1 of 4 stars; one submission).

Conditions:
Metaphyseal chondrodysplasia, Schmid type (MCDS). Also called: SPONDYLOMETAPHYSEAL DYSPLASIA, JAPANESE TYPE. Identifiers: Orphanet 174, MedGen C0265289, MONDO:0007983, OMIM 156500.

Submission:

Juno Genomics, Hangzhou Juno Genomics, Inc
Classification: Uncertain significance for Metaphyseal chondrodysplasia, Schmid type. Review status: criteria provided, single submitter. Criteria: ACMG Guidelines, 2015. Collection method: clinical testing. Allele origin: germline.
Comment: Absent from controls (or at extremely low frequency if recessive) in Genome Aggregation Database.;Multiple lines of computational evidence support a deleterious effect on the gene or gene product.